The following is an entry in ClinVar:

ClinVar aggregate classification (germline): Uncertain significance (1 of 4 stars; one submission).

Submission:

Labcorp Genetics (formerly Invitae), Labcorp
Classification: Uncertain significance. Last evaluated: 2022-08-15. Review status: criteria provided, single submitter. Criteria: Invitae Variant Classification Sherloc (09022015). Collection method: clinical testing. Allele origin: germline.
Comment: In summary, the available evidence is currently insufficient to determine the role of this variant in disease. Therefore, it has been classified as a Variant of Uncertain Significance. This sequence change replaces arginine, which is basic and polar, with glycine, which is neutral and non-polar, at codon 296 of the ASAH1 protein (p.Arg296Gly). This variant is present in population databases (rs771847002, gnomAD 0.0009%). This variant has not been reported in the literature in individuals affected with ASAH1-related conditions. ClinVar contains an entry for this variant (Variation ID: 1490760). Algorithms developed to predict the effect of missense changes on protein structure and function (SIFT, PolyPhen-2, Align-GVGD) all suggest that this variant is likely to be disruptive.

NM_177924.5(ASAH1):c.886C>G (p.Arg296Gly)

Gene: ASAH1 (N-acylsphingosine amidohydrolase 1; minus strand). Cytogenetic location: 8p22.
Variant type: single nucleotide variant.
Coding change: c.886C>G on transcript NM_177924.5 (MANE Select); coding-DNA position 886, C replaced by G.
Protein change: p.Arg296Gly; replaces arginine 296 with glycine.
Molecular consequence: missense variant.
Genome position (GRCh38, 1-based): chr8:18,059,603, G>C on the plus strand (C>G on the coding strand, the complement: ASAH1 is on the minus strand). VCF-style: chr8-18059603-G-C. GRCh37 (hg19) VCF-style: chr8-17917112-G-C.
Other names: c.868C>G, p.Arg290Gly (NM_001127505.3); c.691C>G, p.Arg231Gly (NM_001363743.2); c.934C>G, p.Arg312Gly (NM_004315.6); short protein forms R312G, R231G, R290G, R296G.
Identifiers: ClinVar variation 1490760 (VCV001490760.8), dbSNP rs771847002, ClinGen allele CA4650645.